The following is an entry in ClinVar:

NM_003482.4(KMT2D):c.1626A>G (p.Ala542=)

Gene: KMT2D (lysine methyltransferase 2D; minus strand). Cytogenetic location: 12q13.12.
Variant type: single nucleotide variant.
Coding change: c.1626A>G on transcript NM_003482.4 (MANE Select); coding-DNA position 1626, A replaced by G.
Protein change: p.Ala542=; no amino-acid change (alanine 542 retained).
Molecular consequence: synonymous variant.
Genome position (GRCh38, 1-based): chr12:49,052,057, T>C on the plus strand (A>G on the coding strand, the complement: KMT2D is on the minus strand). VCF-style: chr12-49052057-T-C. GRCh37 (hg19) VCF-style: chr12-49445840-T-C.
Identifiers: ClinVar variation 1970825 (VCV001970825.7), dbSNP rs1237974090, ClinGen allele CA479714850.

ClinVar aggregate classification (germline): Benign. Review status: criteria provided, single submitter (1 of 4 stars). 2 submissions from 2 submitters: Benign (1). 1 of the submissions does not count toward it. Last evaluated 2024-08-08.

Conditions:
KMT2D-related disorder. Also called: KMT2D-Related Disorders.
Kabuki syndrome. Also called: NIIKAWA-KUROKI SYNDROME; Kabuki make-up syndrome. Identifiers: Orphanet 2322, MedGen C0796004, MONDO:0016512.

Allele frequency attached by ClinVar (database versions not stated): gnomAD exomes 0.00001.
gnomAD v4.1: 5 of 1,606,106 alleles (0.00031%); highest among the groups gnomAD compares: Admixed American, 0.0084%; no homozygotes.

Submissions (2):

Labcorp Genetics (formerly Invitae), Labcorp
Classification: Benign for Kabuki syndrome. Last evaluated: 2024-08-08. Review status: criteria provided, single submitter. Criteria: Invitae Variant Classification Sherloc (09022015). Collection method: clinical testing. Allele origin: germline.

PreventionGenetics, part of Exact Sciences
Classification: Likely benign for KMT2D-related condition. Last evaluated: 2021-12-13. Review status: no assertion criteria provided. Collection method: clinical testing. Allele origin: germline. Not counted in ClinVar's aggregate classification.
Comment: This variant is classified as likely benign based on ACMG/AMP sequence variant interpretation guidelines (Richards et al. 2015 PMID: 25741868, with internal and published modifications).